The following is an entry in ClinVar:

ClinVar aggregate classification (germline): Uncertain significance (1 of 4 stars; one submission).

gnomAD v4.1: 1 of 1,614,168 alleles (0.000062%); highest among the groups gnomAD compares: African/African-American, 0.0013%; no homozygotes.

Submission:

Labcorp Genetics (formerly Invitae), Labcorp
Classification: Uncertain significance. Last evaluated: 2024-10-25. Review status: criteria provided, single submitter. Criteria: Invitae Variant Classification Sherloc (09022015). Collection method: clinical testing. Allele origin: germline.
Comment: This sequence change falls in intron 17 of the NFKB1 gene. It does not directly change the encoded amino acid sequence of the NFKB1 protein. It affects a nucleotide within the consensus splice site. This variant is present in population databases (rs770871519, gnomAD 0.007%). This variant has not been reported in the literature in individuals affected with NFKB1-related conditions. Variants that disrupt the consensus splice site are a relatively common cause of aberrant splicing (PMID: 17576681, 9536098). Algorithms developed to predict the effect of sequence changes on RNA splicing suggest that this variant is not likely to affect RNA splicing. In summary, the available evidence is currently insufficient to determine the role of this variant in disease. Therefore, it has been classified as a Variant of Uncertain Significance.

Literature cited by the submitters: PubMed 17576681; PubMed 9536098.

NM_003998.4(NFKB1):c.1955-3T>C

Gene: NFKB1 (nuclear factor kappa B subunit 1; plus strand). Cytogenetic location: 4q24.
Variant type: single nucleotide variant.
Coding change: c.1955-3T>C on transcript NM_003998.4 (MANE Select); 3 bases into the intron before coding-DNA position 1955, T replaced by C.
Molecular consequence: intron variant.
Genome position (GRCh38, 1-based): chr4:102,607,147, T>C. VCF-style: chr4-102607147-T-C. GRCh37 (hg19) VCF-style: chr4-103528304-T-C.
Other names: c.1955-3T>C (NM_001382626.1, NM_001382625.1); c.1952-3T>C (NM_001382627.1, NM_001165412.2, NM_001319226.2); c.1913-3T>C (NM_001382628.1).
Identifiers: ClinVar variation 3683015 (VCV003683015.2).